The following is an entry in ClinVar:

NM_004260.4(RECQL4):c.1901T>C (p.Val634Ala)

Gene: RECQL4 (RecQ like helicase 4; minus strand). Cytogenetic location: 8q24.3.
Variant type: single nucleotide variant.
Coding change: c.1901T>C on transcript NM_004260.4 (MANE Select); coding-DNA position 1901, T replaced by C.
Protein change: p.Val634Ala; replaces valine 634 with alanine.
Molecular consequence: missense variant.
Genome position (GRCh38, 1-based): chr8:144,514,085, A>G on the plus strand (T>C on the coding strand, the complement: RECQL4 is on the minus strand). VCF-style: chr8-144514085-A-G. GRCh37 (hg19) VCF-style: chr8-145739469-A-G.
Other names: short protein forms V634A.
Identifiers: ClinVar variation 953075 (VCV000953075.6), dbSNP rs1827791855, ClinGen allele CA372680522.
Genomic context (GRCh38, chr8:144,514,085, plus strand): 5'-TGTGCCACGTCACTGGCAGTGCGGCGTGTGGCTGTGGCTGTGAGGCCCAGGAAGCAGTGC[A>G]CGCCCATGCGCTCCCGAAGCACCTGCACCAGAGGCGGCAGTGGTGTGAGGCCGCCCAGCC-3'
Protein context (NP_004251.4, residues 624-644): VCKVLRERMG[Val634Ala]HCFLGLTATA

ClinVar aggregate classification (germline): Uncertain significance (1 of 4 stars; one submission).

Conditions:
Baller-Gerold syndrome (BGS). Also called: CRANIOSYNOSTOSIS WITH RADIAL DEFECTS. Identifiers: Orphanet 1225, MedGen C0265308, MONDO:0009039, OMIM 218600.

Submission:

Labcorp Genetics (formerly Invitae), Labcorp
Classification: Uncertain significance for Baller-Gerold syndrome. Last evaluated: 2025-11-17. Review status: criteria provided, single submitter. Criteria: Invitae Variant Classification Sherloc (09022015). Collection method: clinical testing. Allele origin: germline.
Comment: This sequence change replaces valine, which is neutral and non-polar, with alanine, which is neutral and non-polar, at codon 634 of the RECQL4 protein (p.Val634Ala). This variant is not present in population databases (gnomAD no frequency). This variant has not been reported in the literature in individuals affected with RECQL4-related conditions. ClinVar contains an entry for this variant (Variation ID: 953075). Invitae Evidence Modeling of protein sequence and biophysical properties (such as structural, functional, and spatial information, amino acid conservation, physicochemical variation, residue mobility, and thermodynamic stability) indicates that this missense variant is expected to disrupt RECQL4 protein function with a positive predictive value of 80%. In summary, the available evidence is currently insufficient to determine the role of this variant in disease. Therefore, it has been classified as a Variant of Uncertain Significance.